The following is an entry in ClinVar:

ClinVar aggregate classification (germline): Uncertain significance (1 of 4 stars; one submission).

Submission:

Ambry Genetics
Classification: Uncertain significance. Last evaluated: 2021-12-05. Review status: criteria provided, single submitter. Criteria: Ambry Variant Classification Scheme 2023. Collection method: clinical testing. Allele origin: germline.
Comment: The p.W742R variant (also known as c.2224T>A), located in coding exon 19 of the BUB1 gene, results from a T to A substitution at nucleotide position 2224. The tryptophan at codon 742 is replaced by arginine, an amino acid with dissimilar properties. This amino acid position is conserved. In addition, this alteration is predicted to be deleterious by in silico analysis. Since supporting evidence is limited at this time, the clinical significance of this alteration remains unclear.

NM_004336.5(BUB1):c.2224T>A (p.Trp742Arg)

Gene: BUB1 (BUB1 mitotic checkpoint serine/threonine kinase; minus strand). Cytogenetic location: 2q13.
Variant type: single nucleotide variant.
Coding change: c.2224T>A on transcript NM_004336.5 (MANE Select); coding-DNA position 2224, T replaced by A.
Protein change: p.Trp742Arg; replaces tryptophan 742 with arginine.
Molecular consequence: missense variant.
Genome position (GRCh38, 1-based): chr2:110,649,357, A>T on the plus strand (T>A on the coding strand, the complement: BUB1 is on the minus strand). VCF-style: chr2-110649357-A-T. GRCh37 (hg19) VCF-style: chr2-111406934-A-T.
Other names: c.2164T>A, p.Trp722Arg (NM_001278616.2); c.2224T>A, p.Trp742Arg (NM_001278617.2); short protein forms W742R, W722R.
Identifiers: ClinVar variation 1787980 (VCV001787980.2), dbSNP rs769202464, ClinGen allele CA348209627.